The following is an entry in ClinVar:

ClinVar aggregate classification (germline): Uncertain significance (1 of 4 stars; one submission).

Conditions:
Adenylosuccinate lyase deficiency (ADSLD). Also called: ADSL DEFICIENCY. Identifiers: Orphanet 46, MedGen C0268126, MONDO:0007068, OMIM 103050.

Allele frequency attached by ClinVar (database versions not stated): TOPMed below 0.00001; gnomAD 0.00005; 1000 Genomes Project 30x 0.00016; 1000 Genomes Project 0.00020.

Submission:

Labcorp Genetics (formerly Invitae), Labcorp
Classification: Uncertain significance for Adenylosuccinate lyase deficiency. Last evaluated: 2025-03-10. Review status: criteria provided, single submitter. Criteria: Invitae Variant Classification Sherloc (09022015). Collection method: clinical testing. Allele origin: germline.
Comment: This variant occurs in a non-coding region of the ADSL gene. It does not change the encoded amino acid sequence of the ADSL protein. This variant is not present in population databases (gnomAD no frequency). This variant has not been reported in the literature in individuals affected with ADSL-related conditions. Experimental studies and prediction algorithms are not available or were not evaluated, and the functional significance of this variant is currently unknown. In summary, the available evidence is currently insufficient to determine the role of this variant in disease. Therefore, it has been classified as a Variant of Uncertain Significance.

NC_000022.11:g.40345742T>A

Gene: ADSL (adenylosuccinate lyase; plus strand). Cytogenetic location: 22q13.1.
Variant type: single nucleotide variant.
Genome position: GRCh38 VCF-style: chr22-40345742-T-A. GRCh37 (hg19) VCF-style: chr22-40741746-T-A.
Identifiers: ClinVar variation 1473645 (VCV001473645.5), dbSNP rs557264711, ClinGen allele CA324446382.